The following is an entry in ClinVar:

NM_002878.4(RAD51D):c.263+1539G>A

Genes: RAD51D (RAD51 paralog D; minus strand), RAD51L3-RFFL (RAD51L3-RFFL readthrough; minus strand). Cytogenetic location: 17q12.
Variant type: single nucleotide variant.
Coding change: c.263+1539G>A on transcript NM_002878.4 (MANE Select); 1539 bases into the intron after coding-DNA position 263, G replaced by A.
Molecular consequence: intron variant. On other transcripts: missense variant (1).
Genome position (GRCh38, 1-based): chr17:35,116,962, C>T on the plus strand (G>A on the coding strand, the complement: RAD51D is on the minus strand). VCF-style: chr17-35116962-C-T. GRCh37 (hg19) VCF-style: chr17-33443981-C-T.
Other names: c.220G>A, p.Gly74Arg (NM_001142571.2); c.144+2149G>A (NM_133629.3); short protein forms G74R.
Identifiers: ClinVar variation 4978381 (VCV004978381.1).

ClinVar aggregate classification (germline): Uncertain significance (1 of 4 stars; one submission).

Conditions:
RAD51D-related disorder. Also called: RAD51D-related condition.

Submission:

PreventionGenetics, part of Exact Sciences
Classification: Uncertain significance for RAD51D-related condition. Last evaluated: 2025-03-14. Review status: criteria provided, single submitter. Criteria: ACMG Guidelines, 2015. Collection method: clinical testing. Allele origin: germline.
Comment: The RAD51D c.220G>A variant is predicted to result in the amino acid substitution p.Gly74Arg. To our knowledge, this variant has not been reported in the literature. This variant is reported in 0.0058% of alleles in individuals of Latino descent in gnomAD. At this time, the clinical significance of this variant is uncertain due to the absence of conclusive functional and genetic evidence.